The following is an entry in ClinVar:

ClinVar aggregate classification (germline): Likely benign (1 of 4 stars; one submission).

Allele frequency attached by ClinVar (database versions not stated): gnomAD 0.00049; TOPMed 0.00057; ESP Exome Variant Server 0.00100; ExAC 0.00101.
gnomAD v4.1: 906 of 1,610,434 alleles (0.056%); highest among the groups gnomAD compares: Middle Eastern, 0.082%; 2 homozygotes.

Submission:

CeGaT Center for Human Genetics Tuebingen
Classification: Likely benign. Last evaluated: 2022-12-01. Review status: criteria provided, single submitter. Criteria: CeGaT Center For Human Genetics Tuebingen Variant Classification Criteria Version 2. Collection method: clinical testing. Allele origin: germline. Affected: yes. Observed: 1 variant allele.
Comment: PTPRG: BP4, BP7

NM_002841.4(PTPRG):c.1617G>A (p.Pro539=)

Gene: PTPRG (protein tyrosine phosphatase receptor type G; plus strand). Cytogenetic location: 3p14.2.
Variant type: single nucleotide variant.
Coding change: c.1617G>A on transcript NM_002841.4 (MANE Select); coding-DNA position 1617, G replaced by A.
Protein change: p.Pro539=; no amino-acid change (proline 539 retained).
Molecular consequence: synonymous variant.
Genome position (GRCh38, 1-based): chr3:62,203,412, G>A. VCF-style: chr3-62203412-G-A. GRCh37 (hg19) VCF-style: chr3-62189086-G-A.
Other names: c.1617G>A, p.Pro539= (NM_001375471.1).
Identifiers: ClinVar variation 2653925 (VCV002653925.24), dbSNP rs151090262, ClinGen allele CA2474769.